The following is an entry in ClinVar:

NM_005068.3(SIM1):c.1950C>A (p.Asn650Lys)

Gene: SIM1 (SIM bHLH transcription factor 1; minus strand). Cytogenetic location: 6q16.3.
Variant type: single nucleotide variant.
Coding change: c.1950C>A on transcript NM_005068.3 (MANE Select); coding-DNA position 1950, C replaced by A.
Protein change: p.Asn650Lys; replaces asparagine 650 with lysine.
Molecular consequence: missense variant.
Genome position (GRCh38, 1-based): chr6:100,390,712, G>T on the plus strand (C>A on the coding strand, the complement: SIM1 is on the minus strand). VCF-style: chr6-100390712-G-T. GRCh37 (hg19) VCF-style: chr6-100838588-G-T.
Other names: c.1950C>A, p.Asn650Lys (NM_001374769.1); short protein forms N650K.
Identifiers: ClinVar variation 3350794 (VCV003350794.2).
Genomic context (GRCh38, chr6:100,390,712, plus strand): 5'-ACTGGATTTTGAAATGCGATCCGAATTGGGACTACTTATCCGAGATAGTGCGGTGGGACT[G>T]TTGTCATAGTCATTTTCATGGGGGCTCAACATTTTTCCCTCTCTCTGCTGGATATGGTCA-3'
Protein context (NP_005059.2, residues 640-660): MLSPHENDYD[Asn650Lys]SPTALSRISS

ClinVar aggregate classification (germline): Uncertain significance. Review status: criteria provided, single submitter (1 of 4 stars). 2 submissions from 2 submitters: Uncertain significance (1). 1 of the submissions does not count toward it. Last evaluated 2024-10-25.

Conditions:
SIM1-related disorder. Also called: SIM1-related condition; SIM1-related disorders.
Inborn genetic diseases. Identifiers: MedGen C0950123, MeSH D030342.

gnomAD v4.1: 33 of 1,614,030 alleles (0.002%); highest among the groups gnomAD compares: Non-Finnish European, 0.0026%; no homozygotes.

Submissions (2):

Ambry Genetics
Classification: Uncertain significance for Inborn genetic diseases. Last evaluated: 2024-10-25. Review status: criteria provided, single submitter. Criteria: Ambry Variant Classification Scheme 2023. Collection method: clinical testing. Allele origin: germline.

PreventionGenetics, part of Exact Sciences
Classification: Uncertain significance for SIM1-related condition. Last evaluated: 2024-07-08. Review status: no assertion criteria provided. Collection method: clinical testing. Allele origin: germline. Not counted in ClinVar's aggregate classification.
Comment: The SIM1 c.1950C>A variant is predicted to result in the amino acid substitution p.Asn650Lys. To our knowledge, this variant has not been reported in the literature or in a large population database, indicating this variant is rare. At this time, the clinical significance of this variant is uncertain due to the absence of conclusive functional and genetic evidence.